The following is an entry in ClinVar:

ClinVar aggregate classification (germline): Uncertain significance. Review status: criteria provided, multiple submitters, no conflicts (2 of 4 stars). 2 submissions from 2 submitters: Uncertain significance (2). Last evaluated 2024-08-10.

Conditions:
Acromesomelic dysplasia 1, Maroteaux type (AMD1). Also called: ACROMESOMELIC DYSPLASIA 1; ST. HELENA DYSPLASIA. Identifiers: Orphanet 40, MedGen C1864356, MONDO:0011275, OMIM 602875.
Tall stature-scoliosis-macrodactyly of the great toes syndrome. Also called: Epiphyseal chondrodysplasia, miura type. Identifiers: Orphanet 329191, MedGen C4014690, MONDO:0014401, OMIM 615923.
Inborn genetic diseases. Identifiers: MedGen C0950123, MeSH D030342.

Allele frequency attached by ClinVar (database versions not stated): ExAC 0.00001; gnomAD 0.00001; TOPMed 0.00001; gnomAD exomes 0.00002.

Submissions (2):

Ambry Genetics
Classification: Uncertain significance for Inborn genetic diseases. Last evaluated: 2024-08-10. Review status: criteria provided, single submitter. Criteria: Ambry Variant Classification Scheme 2023. Collection method: clinical testing. Allele origin: germline.

Labcorp Genetics (formerly Invitae), Labcorp
Classification: Uncertain significance for Tall stature-scoliosis-macrodactyly of the great toes syndrome; Acromesomelic dysplasia 1, Maroteaux type. Last evaluated: 2020-03-04. Review status: criteria provided, single submitter. Criteria: Invitae Variant Classification Sherloc (09022015). Collection method: clinical testing. Allele origin: germline.
Comment: This sequence change replaces histidine with arginine at codon 234 of the NPR2 protein (p.His234Arg). The histidine residue is highly conserved and there is a small physicochemical difference between histidine and arginine. In summary, the available evidence is currently insufficient to determine the role of this variant in disease. Therefore, it has been classified as a Variant of Uncertain Significance. Algorithms developed to predict the effect of sequence changes on RNA splicing suggest that this variant may create or strengthen a splice site, but this prediction has not been confirmed by published transcriptional studies. Algorithms developed to predict the effect of missense changes on protein structure and function do not agree on the potential impact of this missense change (SIFT: "Deleterious"; PolyPhen-2: "Benign"; Align-GVGD: "Class C25"). This variant has not been reported in the literature in individuals with NPR2-related disease. This variant is present in population databases (rs770808236, ExAC 0.01%).

NM_003995.4(NPR2):c.701A>G (p.His234Arg)

Gene: NPR2 (natriuretic peptide receptor 2; plus strand). Cytogenetic location: 9p13.3.
Variant type: single nucleotide variant.
Coding change: c.701A>G on transcript NM_003995.4 (MANE Select); coding-DNA position 701, A replaced by G.
Protein change: p.His234Arg; replaces histidine 234 with arginine.
Molecular consequence: missense variant.
Genome position (GRCh38, 1-based): chr9:35,793,931, A>G. VCF-style: chr9-35793931-A-G. GRCh37 (hg19) VCF-style: chr9-35793928-A-G.
Other names: c.701A>G, p.His234Arg (NM_001378923.1); short protein forms H234R.
Identifiers: ClinVar variation 541974 (VCV000541974.10), dbSNP rs770808236, ClinGen allele CA5051504.